The following is an entry in ClinVar:

NM_201384.3(PLEC):c.7629G>C (p.Gln2543His)

Gene: PLEC (plectin; minus strand). Cytogenetic location: 8q24.3.
Variant type: single nucleotide variant.
Coding change: c.7629G>C on transcript NM_201384.3 (MANE Select); coding-DNA position 7629, G replaced by C.
Protein change: p.Gln2543His; replaces glutamine 2543 with histidine.
Molecular consequence: missense variant.
Genome position (GRCh38, 1-based): chr8:143,922,192, C>G on the plus strand (G>C on the coding strand, the complement: PLEC is on the minus strand). VCF-style: chr8-143922192-C-G. GRCh37 (hg19) VCF-style: chr8-144996360-C-G.
Other names: c.7710G>C, p.Gln2570His (NM_000445.5); c.4329G>C, p.Gln1443His (NM_001410941.1); c.7587G>C, p.Gln2529His (NM_201378.4); c.7563G>C, p.Gln2521His (NM_201379.3); c.8040G>C, p.Gln2680His (NM_201380.4); c.7533G>C, p.Gln2511His (NM_201381.3); c.7629G>C, p.Gln2543His (NM_201382.4); c.7641G>C, p.Gln2547His (NM_201383.3); short protein forms Q2511H, Q2543H, Q2547H, Q2680H, Q2570H, Q2529H, Q1443H, Q2521H.
Identifiers: ClinVar variation 4791803 (VCV004791803.1).

ClinVar aggregate classification (germline): Uncertain significance (1 of 4 stars; one submission).

Conditions:
Epidermolysis bullosa simplex with nail dystrophy (EBS5D). Identifiers: MedGen C4225309, MONDO:0014661, OMIM 616487.
Epidermolysis bullosa simplex, Ogna type (EBS5A). Also called: EPIDERMOLYSIS BULLOSA SIMPLEX 5A, OGNA TYPE; Pidermolysis bullosa simplex 5A, Ogna type. Identifiers: Orphanet 79401, MedGen C0432317, MONDO:0007555, OMIM 131950.
Autosomal recessive limb-girdle muscular dystrophy type 2Q (LGMDR17). Also called: MUSCULAR DYSTROPHY, LIMB-GIRDLE, AUTOSOMAL RECESSIVE 17. Identifiers: Orphanet 254361, MedGen C3150989, MONDO:0013390, OMIM 613723.
Epidermolysis bullosa simplex 5B, with muscular dystrophy (EBS5B). Also called: EPIDERMOLYSIS BULLOSA SIMPLEX AND LIMB-GIRDLE MUSCULAR DYSTROPHY; Epidermolysis bullosa simplex with muscular dystrophy. Identifiers: Orphanet 257, MedGen C2931072, MONDO:0009181, OMIM 226670.
Epidermolysis bullosa simplex 5C, with pyloric atresia (EBS5C). Also called: PLEC-Related Epidermolysis Bullosa with Pyloric Atresia; Epidermolysis bullosa simplex with pyloric atresia; PLEC1-Related Epidermolysis Bullosa with Pyloric Atresia. Identifiers: Orphanet 158684, MedGen C2677349, MONDO:0012807, OMIM 612138.

Submission:

Labcorp Genetics (formerly Invitae), Labcorp
Classification: Uncertain significance for Autosomal recessive limb-girdle muscular dystrophy type 2Q; Epidermolysis bullosa simplex, Ogna type; Epidermolysis bullosa simplex with nail dystrophy; Epidermolysis bullosa simplex 5C, with pyloric atresia; Epidermolysis bullosa simplex 5B, with muscular dystrophy. Last evaluated: 2025-07-09. Review status: criteria provided, single submitter. Criteria: Invitae Variant Classification Sherloc (09022015). Collection method: clinical testing. Allele origin: germline.
Comment: This sequence change replaces glutamine, which is neutral and polar, with histidine, which is basic and polar, at codon 2570 of the PLEC protein (p.Gln2570His). This variant is not present in population databases (gnomAD no frequency). This variant has not been reported in the literature in individuals affected with PLEC-related conditions. Invitae Evidence Modeling of protein sequence and biophysical properties (such as structural, functional, and spatial information, amino acid conservation, physicochemical variation, residue mobility, and thermodynamic stability) indicates that this missense variant is not expected to disrupt PLEC protein function with a negative predictive value of 80%. In summary, the available evidence is currently insufficient to determine the role of this variant in disease. Therefore, it has been classified as a Variant of Uncertain Significance.